The following is an entry in ClinVar:

ClinVar aggregate classification (germline): Uncertain significance. Review status: criteria provided, multiple submitters, no conflicts (2 of 4 stars). 2 submissions from 2 submitters: Uncertain significance (2). Last evaluated 2025-11-03.

Conditions:
MAGEL2-related disorder. Also called: MAGEL2-related condition.
Inborn genetic diseases. Identifiers: MedGen C0950123, MeSH D030342.

Allele frequency attached by ClinVar (database versions not stated): ExAC 0.00001.
gnomAD v4.1: 14 of 1,613,576 alleles (0.00087%); highest among the groups gnomAD compares: East Asian, 0.0022%; no homozygotes.

Submissions (2):

PreventionGenetics, part of Exact Sciences
Classification: Uncertain significance for MAGEL2-related condition. Last evaluated: 2025-11-03. Review status: criteria provided, single submitter. Criteria: ACMG Guidelines, 2015. Collection method: clinical testing. Allele origin: germline.
Comment: The MAGEL2 c.3431G>A variant is predicted to result in the amino acid substitution p.Arg1144Gln. To our knowledge, this variant has not been reported in the literature. This variant is reported in 0.0029% of alleles in individuals of Latino descent in gnomAD. At this time, the clinical significance of this variant is uncertain due to the absence of conclusive functional and genetic evidence.

Ambry Genetics
Classification: Uncertain significance for Inborn genetic diseases. Last evaluated: 2023-05-23. Review status: criteria provided, single submitter. Criteria: Ambry Variant Classification Scheme 2023. Collection method: clinical testing. Allele origin: germline.

NM_019066.5(MAGEL2):c.3431G>A (p.Arg1144Gln)

Gene: MAGEL2 (MAGE family member L2; minus strand). Cytogenetic location: 15q11.2.
Variant type: single nucleotide variant.
Coding change: c.3431G>A on transcript NM_019066.5 (MANE Select); coding-DNA position 3431, G replaced by A.
Protein change: p.Arg1144Gln; replaces arginine 1144 with glutamine.
Molecular consequence: missense variant.
Genome position (GRCh38, 1-based): chr15:23,644,312, C>T on the plus strand (G>A on the coding strand, the complement: MAGEL2 is on the minus strand). VCF-style: chr15-23644312-C-T. GRCh37 (hg19) VCF-style: chr15-23889459-C-T.
Other names: short protein forms R1144Q.
Identifiers: ClinVar variation 2518622 (VCV002518622.3), dbSNP rs756210530, ClinGen allele CA7429695.
Genomic context (GRCh38, chr15:23,644,312, plus strand): 5'-TGCCTGACAAACACTTCGGTGATGAGCTTCTTAGTATTTCCAAAGAGACCGTTTGTCTCC[C>T]GGACATCCAACCCTAACTTGAACAGAAAATTAAAGATCAGATCCTCCCTGACACAGTTGC-3'
Protein context (NP_061939.3, residues 1134-1154): NFLFKLGLDV[Arg1144Gln]ETNGLFGNTK